The following is an entry in ClinVar:

NM_007294.4(BRCA1):c.672del (p.Ala225fs)

Gene: BRCA1 (BRCA1 DNA repair associated; minus strand). Cytogenetic location: 17q21.31.
Variant type: Deletion.
Coding change: c.672del on transcript NM_007294.4 (MANE Select); coding-DNA position 672, one base deleted (T; older notation c.672delT).
Protein change: p.Ala225fs; shifts the reading frame from alanine 225.
Molecular consequence: frameshift variant. On other transcripts: non-coding transcript variant (1).
Genome position (GRCh38, 1-based): chr17:43,094,859, A deleted on the plus strand (T on the coding strand, the reverse complement: BRCA1 is on the minus strand). VCF-style (leftmost placement, unchanged base first): chr17-43094858-CA-C. GRCh37 (hg19) VCF-style: chr17-41246875-CA-C.
Other names: c.546delT, p.Ala183Leufs (NM_001408435.1, NM_001408445.1, NM_001408446.1 and 20 more transcripts); c.549delT, p.Ala184Leufs (NM_001408436.1, NM_001408437.1, NM_001408438.1 and 34 more transcripts); c.537delT, p.Ala180Leufs (NM_001408451.1); c.531delT, p.Ala178Leufs (NM_001408452.1, NM_001408453.1, NM_001408454.1 and 42 more transcripts); c.528delT, p.Ala177Leufs (NM_001408462.1, NM_001408463.1, NM_001408464.1 and 26 more transcripts); c.672delT, p.Ala225Leufs (NM_001408472.1, NM_007298.4, NM_007304.2 and 52 more transcripts); c.669delT, p.Ala224Leufs (NM_001408473.1, NM_001407587.1, NM_001407590.1 and 38 more transcripts); c.471delT, p.Ala158Leufs (NM_001408474.1, NM_001408476.1, NM_001407862.1); and 17 more; short protein forms A178fs, A225fs.
Identifiers: ClinVar variation 1049208 (VCV001049208.50), dbSNP rs2154500888, ClinGen allele CA2499224588.

ClinVar aggregate classification (germline): Pathogenic/Likely pathogenic. Review status: criteria provided, multiple submitters, no conflicts (2 of 4 stars). 4 submissions from 4 submitters: Pathogenic (2); Likely pathogenic (1). 1 of the submissions does not count toward it. Last evaluated 2025-02-04.

Conditions:
Breast-ovarian cancer, familial, susceptibility to, 1 (BROVCA1). Also called: BRCA1 Hereditary Breast and Ovarian Cancer; OVARIAN CANCER, SUSCEPTIBILITY TO. Identifiers: Orphanet 145, MedGen C2676676, MONDO:0011450, OMIM 604370. Disease mechanism: loss of function.
Malignant tumor of breast. Also called: Malignant breast neoplasm; Cancer breast. Identifiers: MedGen C0006142, MONDO:0007254. Disease mechanism: loss of function.
Hereditary breast ovarian cancer syndrome. Also called: Hereditary breast and ovarian cancer syndrome; Hereditary breast and ovarian cancer syndrome (HBOC); Breast and ovarian cancer; Hereditary breast and ovarian cancer; Hereditary breast and/or ovarian cancer syndrome; BRCA1- and BRCA2-Associated Hereditary Breast and Ovarian Cancer. Identifiers: Orphanet 145, MedGen C0677776, MeSH D061325, MONDO:0003582. Disease mechanism: loss of function.

Submissions (4):

GeneDx
Classification: Pathogenic. Last evaluated: 2025-02-04. Review status: criteria provided, single submitter. Criteria: GeneDx Variant Classification Process June 2021. Collection method: clinical testing. Allele origin: germline. Affected: yes.
Comment: Frameshift variant predicted to result in protein truncation or nonsense mediated decay in a gene for which loss of function is a known mechanism of disease; Not observed at significant frequency in large population cohorts (gnomAD); Truncating variants in this gene are considered pathogenic by a well-established clinical consortium and/or database; Also known as 791del; This variant is associated with the following publications: (PMID: 32885271, 33646313)

Baylor Genetics
Classification: Likely pathogenic for Breast-ovarian cancer, familial, susceptibility to, 1. Last evaluated: 2021-11-27. Review status: criteria provided, single submitter. Criteria: ACMG Guidelines, 2015. Collection method: clinical testing. Allele origin: unknown.

Labcorp Genetics (formerly Invitae), Labcorp
Classification: Pathogenic for Hereditary breast ovarian cancer syndrome. Last evaluated: 2020-01-02. Review status: criteria provided, single submitter. Criteria: Invitae Variant Classification Sherloc (09022015). Collection method: clinical testing. Allele origin: germline.
Comment: This variant is not present in population databases (ExAC no frequency). For these reasons, this variant has been classified as Pathogenic. Loss-of-function variants in BRCA1 are known to be pathogenic (PMID: 20104584). This variant has not been reported in the literature in individuals with BRCA1-related conditions. This sequence change creates a premature translational stop signal (p.Ala225Leufs*9) in the BRCA1 gene. It is expected to result in an absent or disrupted protein product.

Department of Pathology and Laboratory Medicine, Sinai Health System
Classification: Pathogenic for Malignant tumor of breast. Review status: no assertion criteria provided. Collection method: clinical testing. Allele origin: unknown. Affected: yes. Observed: 1 variant allele. Study: The Canadian Open Genetics Repository (COGR). Not counted in ClinVar's aggregate classification.
Comment: The BRCA1 p.Ala225Leufs*9 variant was not identified in the literature nor was it identified in the dbSNP, ClinVar, Gene Insight-COGR, Cosmic, LOVD 3.0, UMD-LSDB, BIC Database, ARUP Laboratories, and Zhejiang University databases. The variant was not identified in the following control databases: the 1000 Genomes Project, the NHLBI GO Exome Sequencing Project, the Exome Aggregation Consortium (August 8th 2016), or the Genome Aggregation Database (Feb 27, 2017). The c.672del variant is predicted to cause a frameshift, which alters the protein's amino acid sequence beginning at codon 225 and leads to a premature stop codon at position 233. This alteration is then predicted to result in a truncated or absent protein and loss of function. Loss of function variants of the BRCA1 gene are an established mechanism of disease in breast cancer and is the type of variant expected to cause the disorder. In summary, based on the above information this variant meets our laboratoryâ€šÃ„Ã´s criteria to be classified as pathogenic.

Literature cited by the submitters: PubMed 20104584 (cited by Labcorp Genetics (formerly Invitae), Labcorp).